The following is an entry in ClinVar:

NM_032638.5(GATA2):c.978T>C (p.Asn326=)

Gene: GATA2 (GATA binding protein 2; minus strand). Cytogenetic location: 3q21.3.
Variant type: single nucleotide variant.
Coding change: c.978T>C on transcript NM_032638.5 (MANE Select); coding-DNA position 978, T replaced by C.
Protein change: p.Asn326=; no amino-acid change (asparagine 326 retained).
Molecular consequence: synonymous variant.
Genome position (GRCh38, 1-based): chr3:128,483,899, A>G on the plus strand (T>C on the coding strand, the complement: GATA2 is on the minus strand). VCF-style: chr3-128483899-A-G. GRCh37 (hg19) VCF-style: chr3-128202742-A-G.
Other names: c.978T>C, p.Asn326= (NM_001145661.2, NM_001145662.1); c.978T>C (NM_001145661.1).
Identifiers: ClinVar variation 1089026 (VCV001089026.14), dbSNP rs769794900, ClinGen allele CA2599910.

ClinVar aggregate classification (germline): Likely benign. Review status: criteria provided, multiple submitters, no conflicts (2 of 4 stars). 5 submissions from 5 submitters: Likely benign (4). 1 of the submissions does not count toward it. Last evaluated 2025-07-17.

Conditions:
Inborn genetic diseases. Identifiers: MedGen C0950123, MeSH D030342.
GATA2-related disorder. Also called: GATA2-Related Disorders; GATA2-related condition.
Deafness-lymphedema-leukemia syndrome. Also called: Lymphedema, primary, with myelodysplasia; Emberger syndrome. Identifiers: Orphanet 3226, MedGen C3279664, MONDO:0013540, OMIM 614038.
Monocytopenia with susceptibility to infections. Also called: IMMUNODEFICIENCY 21; MONOCYTOPENIA AND MYCOBACTERIAL INFECTION SYNDROME; MONOCYTOPENIA WITH SUSCEPTIBILITY TO MYCOBACTERIAL, FUNGAL, AND PAPILLOMAVIRUS INFECTIONS AND MYELODYSPLASIA; COMBINED IMMUNODEFICIENCY WITH SUSCEPTIBILITY TO MYCOBACTERIAL, VIRAL, AND FUNGAL INFECTIONS; Dendritic cell, monocyte, B lymphocyte, and natural killer lymphocyte deficiency; GATA2 DEFICIENCY. Identifiers: Orphanet 228423, MedGen C3280030, MONDO:0013607, OMIM 614172.
Hereditary cancer-predisposing syndrome. Also called: Neoplastic Syndromes, Hereditary; Hereditary Cancer Syndrome; Hereditary neoplastic syndrome; Tumor predisposition. Identifiers: Orphanet 140162, MedGen C0027672, MeSH D009386, MONDO:0015356.

Allele frequency attached by ClinVar (database versions not stated): gnomAD 0.00003; gnomAD exomes 0.00005 and 0.00008; ExAC 0.00009.

Submissions (5):

Labcorp Genetics (formerly Invitae), Labcorp
Classification: Likely benign for Monocytopenia with susceptibility to infections; Deafness-lymphedema-leukemia syndrome. Last evaluated: 2025-07-17. Review status: criteria provided, single submitter. Criteria: Invitae Variant Classification Sherloc (09022015). Collection method: clinical testing. Allele origin: germline.

Ambry Genetics
Classification: Likely benign for Inborn genetic diseases. Last evaluated: 2024-08-21. Review status: criteria provided, single submitter. Criteria: Ambry Variant Classification Scheme 2023. Collection method: clinical testing. Allele origin: germline.

Blueprint Genetics
Classification: Likely benign. Last evaluated: 2023-09-14. Review status: criteria provided, single submitter. Criteria: ACMG Guidelines, 2015. Collection method: clinical testing. Allele origin: germline.

Sema4
Classification: Likely benign for Hereditary cancer-predisposing syndrome. Last evaluated: 2021-10-31. Review status: criteria provided, single submitter. Criteria: Sema4 Curation Guidelines. Collection method: curation. Allele origin: germline.

PreventionGenetics, part of Exact Sciences
Classification: Likely benign for GATA2-related condition. Last evaluated: 2019-04-04. Review status: no assertion criteria provided. Collection method: clinical testing. Allele origin: germline. Not counted in ClinVar's aggregate classification.
Comment: This variant is classified as likely benign based on ACMG/AMP sequence variant interpretation guidelines (Richards et al. 2015 PMID: 25741868, with internal and published modifications).